The following is an entry in ClinVar:

ClinVar aggregate classification (germline): Likely pathogenic (1 of 4 stars; one submission).

Submission:

GeneDx
Classification: Likely pathogenic. Last evaluated: 2026-02-08. Review status: criteria provided, single submitter. Criteria: GeneDx Variant Classification Process June 2021. Collection method: clinical testing. Allele origin: germline.
Comment: Not observed at significant frequency in large population cohorts (gnomAD); In silico analysis supports that this missense variant has a deleterious effect on protein structure/function; Has not been previously published as pathogenic or benign to our knowledge

NM_170606.3(KMT2C):c.3611T>G (p.Leu1204Trp)

Gene: KMT2C (lysine methyltransferase 2C; minus strand). Cytogenetic location: 7q36.1.
Variant type: single nucleotide variant.
Coding change: c.3611T>G on transcript NM_170606.3 (MANE Select); coding-DNA position 3611, T replaced by G.
Protein change: p.Leu1204Trp; replaces leucine 1204 with tryptophan.
Molecular consequence: missense variant.
Genome position (GRCh38, 1-based): chr7:152,220,624, A>C on the plus strand (T>G on the coding strand, the complement: KMT2C is on the minus strand). VCF-style: chr7-152220624-A-C. GRCh37 (hg19) VCF-style: chr7-151917709-A-C.
Other names: short protein forms L1204W.
Identifiers: ClinVar variation 3362030 (VCV003362030.2).